The following is an entry in ClinVar:

NM_018942.3(HMX1):c.601G>A (p.Gly201Ser)

Gene: HMX1 (H6 family homeobox 1; minus strand). Cytogenetic location: 4p16.1.
Variant type: single nucleotide variant.
Coding change: c.601G>A on transcript NM_018942.3 (MANE Select); coding-DNA position 601, G replaced by A.
Protein change: p.Gly201Ser; replaces glycine 201 with serine.
Molecular consequence: missense variant. On other transcripts: intron variant (1).
Genome position (GRCh38, 1-based): chr4:8,868,139, C>T on the plus strand (G>A on the coding strand, the complement: HMX1 is on the minus strand). VCF-style: chr4-8868139-C-T. GRCh37 (hg19) VCF-style: chr4-8869865-C-T.
Other names: c.394+3082G>A (NM_001306142.2); short protein forms G201S.
Identifiers: ClinVar variation 943060 (VCV000943060.9), dbSNP rs1307711414, ClinGen allele CA356278221.

ClinVar aggregate classification (germline): Uncertain significance (1 of 4 stars; one submission).

Submission:

Labcorp Genetics (formerly Invitae), Labcorp
Classification: Uncertain significance. Last evaluated: 2022-07-11. Review status: criteria provided, single submitter. Criteria: Invitae Variant Classification Sherloc (09022015). Collection method: clinical testing. Allele origin: germline.
Comment: Algorithms developed to predict the effect of sequence changes on RNA splicing suggest that this variant may create or strengthen a splice site. Algorithms developed to predict the effect of missense changes on protein structure and function are either unavailable or do not agree on the potential impact of this missense change (SIFT: "Deleterious"; PolyPhen-2: "Probably Damaging"; Align-GVGD: "Class C0"). ClinVar contains an entry for this variant (Variation ID: 943060). This variant has not been reported in the literature in individuals affected with HMX1-related conditions. The frequency data for this variant in the population databases is considered unreliable, as metrics indicate poor data quality at this position in the gnomAD database. This sequence change replaces glycine, which is neutral and non-polar, with serine, which is neutral and polar, at codon 201 of the HMX1 protein (p.Gly201Ser). In summary, the available evidence is currently insufficient to determine the role of this variant in disease. Therefore, it has been classified as a Variant of Uncertain Significance.